The following is an entry in ClinVar:

ClinVar aggregate classification (germline): Uncertain significance (1 of 4 stars; one submission).

Conditions:
Inborn genetic diseases. Identifiers: MedGen C0950123, MeSH D030342.

gnomAD v4.1: 1 of 1,614,044 alleles (0.000062%); highest among the groups gnomAD compares: Non-Finnish European, 0.000085%; no homozygotes.

Submission:

Ambry Genetics
Classification: Uncertain significance for Inborn genetic diseases. Last evaluated: 2022-07-10. Review status: criteria provided, single submitter. Criteria: Ambry Variant Classification Scheme 2023. Collection method: clinical testing. Allele origin: germline.
Comment: The p.S499T variant (also known as c.1495T>A), located in coding exon 8 of the PIK3CA gene, results from a T to A substitution at nucleotide position 1495. The serine at codon 499 is replaced by threonine, an amino acid with similar properties. This amino acid position is conserved. In addition, this alteration is predicted to be tolerated by in silico analysis. Since supporting evidence is limited at this time, the clinical significance of this alteration remains unclear.

NM_006218.4(PIK3CA):c.1495T>A (p.Ser499Thr)

Gene: PIK3CA (phosphatidylinositol-4,5-bisphosphate 3-kinase catalytic subunit alpha; plus strand). Cytogenetic location: 3q26.32.
Variant type: single nucleotide variant.
Coding change: c.1495T>A on transcript NM_006218.4 (MANE Select); coding-DNA position 1495, T replaced by A.
Protein change: p.Ser499Thr; replaces serine 499 with threonine.
Molecular consequence: missense variant.
Genome position (GRCh38, 1-based): chr3:179,210,521, T>A. VCF-style: chr3-179210521-T-A. GRCh37 (hg19) VCF-style: chr3-178928309-T-A.
Other names: short protein forms S499T.
Identifiers: ClinVar variation 1773885 (VCV001773885.2), dbSNP rs2108401589, ClinGen allele CA355262694.